The following is an entry in ClinVar:

NM_017617.5(NOTCH1):c.4014+3A>G

Gene: NOTCH1 (notch receptor 1; minus strand). Cytogenetic location: 9q34.3.
Variant type: single nucleotide variant.
Coding change: c.4014+3A>G on transcript NM_017617.5 (MANE Select); 3 bases into the intron after coding-DNA position 4014, A replaced by G.
Molecular consequence: intron variant.
Genome position (GRCh38, 1-based): chr9:136,506,524, T>C on the plus strand (A>G on the coding strand, the complement: NOTCH1 is on the minus strand). VCF-style: chr9-136506524-T-C. GRCh37 (hg19) VCF-style: chr9-139400976-T-C.
Identifiers: ClinVar variation 2566652 (VCV002566652.3), dbSNP rs1564191696, ClinGen allele CA2580615407.

ClinVar aggregate classification (germline): Uncertain significance. Review status: criteria provided, multiple submitters, no conflicts (2 of 4 stars). 2 submissions from 2 submitters: Uncertain significance (2). Last evaluated 2025-10-01.

Conditions:
Familial thoracic aortic aneurysm and aortic dissection (TAAD). Also called: Thoracic aortic aneurysms and dissections. Identifiers: Orphanet 91387, MedGen C4707243, MONDO:0019625.
Adams-Oliver syndrome 5 (AOS5). Identifiers: Orphanet 974, MedGen C4014970, MONDO:0014459, OMIM 616028.

Allele frequency attached by ClinVar (database versions not stated): gnomAD exomes below 0.00001.
gnomAD v4.1: 2 of 1,589,188 alleles (0.00013%); highest among the groups gnomAD compares: Middle Eastern, 0.022%; no homozygotes.

Submissions (2):

Labcorp Genetics (formerly Invitae), Labcorp
Classification: Uncertain significance for Adams-Oliver syndrome 5. Last evaluated: 2025-10-01. Review status: criteria provided, single submitter. Criteria: Invitae Variant Classification Sherloc (09022015). Collection method: clinical testing. Allele origin: germline.
Comment: This sequence change falls in intron 24 of the NOTCH1 gene. It does not directly change the encoded amino acid sequence of the NOTCH1 protein. It affects a nucleotide within the consensus splice site. This variant is not present in population databases (gnomAD no frequency). This variant has not been reported in the literature in individuals affected with NOTCH1-related conditions. ClinVar contains an entry for this variant (Variation ID: 2566652). Variants that disrupt the consensus splice site are a relatively common cause of aberrant splicing (PMID: 17576681, 9536098). Algorithms developed to predict the effect of sequence changes on RNA splicing suggest that this variant is not likely to affect RNA splicing. In summary, the available evidence is currently insufficient to determine the role of this variant in disease. Therefore, it has been classified as a Variant of Uncertain Significance.

Ambry Genetics
Classification: Uncertain significance for Familial thoracic aortic aneurysm and aortic dissection. Last evaluated: 2023-05-27. Review status: criteria provided, single submitter. Criteria: Ambry Variant Classification Scheme 2023. Collection method: clinical testing. Allele origin: germline.
Comment: The c.4014+3A>G intronic variant results from an A to G substitution 3 nucleotides after coding exon 24 in the NOTCH1 gene. This nucleotide position is not well conserved in available vertebrate species. In silico splice site analysis predicts that this alteration will not have any significant effect on splicing. Since supporting evidence is limited at this time, the clinical significance of this alteration remains unclear.

Literature cited by the submitters: PubMed 17576681 (cited by Labcorp Genetics (formerly Invitae), Labcorp); PubMed 9536098 (cited by Labcorp Genetics (formerly Invitae), Labcorp).